The following is an entry in ClinVar:

NM_000088.4(COL1A1):c.615del (p.Gly206fs)

Gene: COL1A1 (collagen type I alpha 1 chain; minus strand). Cytogenetic location: 17q21.33.
Variant type: Deletion.
Coding change: c.615del on transcript NM_000088.4 (MANE Select); coding-DNA position 615, one base deleted (T; older notation c.615delT).
Protein change: p.Gly206fs; shifts the reading frame from glycine 206.
Molecular consequence: frameshift variant.
Genome position (GRCh38, 1-based): chr17:50,197,976, A deleted on the plus strand (T on the coding strand, the reverse complement: COL1A1 is on the minus strand). VCF-style (leftmost placement, unchanged base first): chr17-50197975-CA-C. GRCh37 (hg19) VCF-style: chr17-48275336-CA-C.
Other names: c.615delT (NM_000088.4); short protein forms G206fs.
Identifiers: ClinVar variation 3251720 (VCV003251720.3), dbSNP rs2509246805.

ClinVar aggregate classification (germline): Pathogenic. Review status: criteria provided, multiple submitters, no conflicts (2 of 4 stars). 2 submissions from 2 submitters: Pathogenic (2). Last evaluated 2024-09-04.

Conditions:
Osteogenesis imperfecta (OI). Identifiers: Orphanet 666, MedGen C0029434, MeSH D010013, MONDO:0019019.
Osteogenesis imperfecta type I (OI1). Also called: Lobstein disease; Osteogenesis imperfecta type 1; Classic Non-deforming Osteogenesis Imperfecta with Blue Sclerae; OI, TYPE I; OSTEOGENESIS IMPERFECTA TARDA; OSTEOGENESIS IMPERFECTA WITH BLUE SCLERAE. Identifiers: Orphanet 216796, Orphanet 666, MedGen C0023931, MONDO:0008146, OMIM 166200. Disease mechanism: loss of function.

Submissions (2):

Labcorp Genetics (formerly Invitae), Labcorp
Classification: Pathogenic for Osteogenesis imperfecta type I. Last evaluated: 2024-09-04. Review status: criteria provided, single submitter. Criteria: Invitae Variant Classification Sherloc (09022015). Collection method: clinical testing. Allele origin: germline.
Comment: This sequence change creates a premature translational stop signal (p.Gly206Valfs*59) in the COL1A1 gene. It is expected to result in an absent or disrupted protein product. Loss-of-function variants in COL1A1 are known to be pathogenic (PMID: 7942841, 9295084, 9443882). This variant is not present in population databases (gnomAD no frequency). This variant has not been reported in the literature in individuals affected with COL1A1-related conditions. For these reasons, this variant has been classified as Pathogenic.

Women's Health and Genetics/Laboratory Corporation of America, LabCorp
Classification: Pathogenic for Osteogenesis imperfecta. Last evaluated: 2024-04-24. Review status: criteria provided, single submitter. Criteria: LabCorp Variant Classification Summary - May 2015. Collection method: clinical testing. Allele origin: germline.
Comment: Variant summary: COL1A1 c.615delT (p.Gly206ValfsX59) results in a premature termination codon, predicted to cause a truncation of the encoded protein or absence of the protein due to nonsense mediated decay, which are commonly known mechanisms for disease. The variant was absent in 250722 control chromosomes. To our knowledge, no occurrence of c.615delT in individuals affected with Osteogenesis Imperfecta and no experimental evidence demonstrating its impact on protein function have been reported. No submitters have cited clinical-significance assessments for this variant to ClinVar. Based on the evidence outlined above, the variant was classified as pathogenic.

Literature cited by the submitters: PubMed 7942841 (cited by Labcorp Genetics (formerly Invitae), Labcorp); PubMed 9295084 (cited by Labcorp Genetics (formerly Invitae), Labcorp); PubMed 9443882 (cited by Labcorp Genetics (formerly Invitae), Labcorp).